The following is an entry in ClinVar:

NM_000426.4(LAMA2):c.250C>G (p.Arg84Gly)

Gene: LAMA2 (laminin subunit alpha 2; plus strand). Cytogenetic location: 6q22.33.
Variant type: single nucleotide variant.
Coding change: c.250C>G on transcript NM_000426.4 (MANE Select); coding-DNA position 250, C replaced by G.
Protein change: p.Arg84Gly; replaces arginine 84 with glycine.
Molecular consequence: missense variant.
Genome position (GRCh38, 1-based): chr6:129,050,055, C>G. VCF-style: chr6-129050055-C-G. GRCh37 (hg19) VCF-style: chr6-129371200-C-G.
Other names: c.250C>G, p.Arg84Gly (NM_001079823.2); short protein forms R84G.
Identifiers: ClinVar variation 1390582 (VCV001390582.5), dbSNP rs868019991, ClinGen allele CA365828681.
Genomic context (GRCh38, chr6:129,050,055, plus strand): 5'-GAAATGTACTGCAAATTGGTAGAACATGTCCCTGGGCAGCCTGTGAGGAACCCGCAGTGT[C>G]GAATCTGCAATCAAAACAGCAGCAATCCAAACCGTATGTATTTTAGTGTGTAGGTGTGTG-3'
Protein context (NP_000417.3, residues 74-94): PGQPVRNPQC[Arg84Gly]ICNQNSSNPN

ClinVar aggregate classification (germline): Uncertain significance (1 of 4 stars; one submission).

Conditions:
LAMA2-related muscular dystrophy (LAMA2-RD). Also called: Laminin alpha 2-related dystrophy. Identifiers: MedGen C5679788, MONDO:0100228.

Allele frequency attached by ClinVar (database versions not stated): TOPMed below 0.00001.
gnomAD v4.1: 5 of 1,613,936 alleles (0.00031%); highest among the groups gnomAD compares: South Asian, 0.0055%; no homozygotes.

Submission:

Labcorp Genetics (formerly Invitae), Labcorp
Classification: Uncertain significance for LAMA2-related muscular dystrophy. Last evaluated: 2021-09-17. Review status: criteria provided, single submitter. Criteria: Invitae Variant Classification Sherloc (09022015). Collection method: clinical testing. Allele origin: germline.
Comment: This sequence change replaces arginine with glycine at codon 84 of the LAMA2 protein (p.Arg84Gly). The arginine residue is moderately conserved and there is a moderate physicochemical difference between arginine and glycine. This variant is not present in population databases (ExAC no frequency). This variant has not been reported in the literature in individuals with LAMA2-related conditions. Algorithms developed to predict the effect of missense changes on protein structure and function are either unavailable or do not agree on the potential impact of this missense change (SIFT: "Tolerated"; PolyPhen-2: "Probably Damaging"; Align-GVGD: "Class C0"). In summary, the available evidence is currently insufficient to determine the role of this variant in disease. Therefore, it has been classified as a Variant of Uncertain Significance.